The following is an entry in ClinVar:

NM_000631.5(NCF4):c.544A>G (p.Thr182Ala)

Gene: NCF4 (neutrophil cytosolic factor 4; plus strand). Cytogenetic location: 22q12.3.
Variant type: single nucleotide variant.
Coding change: c.544A>G on transcript NM_000631.5 (MANE Select); coding-DNA position 544, A replaced by G.
Protein change: p.Thr182Ala; replaces threonine 182 with alanine.
Molecular consequence: missense variant.
Genome position (GRCh38, 1-based): chr22:36,872,342, A>G. VCF-style: chr22-36872342-A-G. GRCh37 (hg19) VCF-style: chr22-37268384-A-G.
Other names: c.544A>G, p.Thr182Ala (NM_013416.4); short protein forms T182A.
Identifiers: ClinVar variation 3658998 (VCV003658998.2).

ClinVar aggregate classification (germline): Uncertain significance (1 of 4 stars; one submission).

Conditions:
Granulomatous disease, chronic, autosomal recessive, cytochrome b-positive, type 3. Also called: GRANULOMATOUS DISEASE, CHRONIC, DUE TO NCF4 DEFICIENCY; Granulomatous disease, chronic, autosomal recessive, cytochrome b-positive, type III; GRANULOMATOUS DISEASE, CHRONIC, AUTOSOMAL RECESSIVE, 3; CGD, AUTOSOMAL RECESSIVE CYTOCHROME b-POSITIVE, TYPE III. Identifiers: Orphanet 379, MedGen C3151409, MONDO:0013507, OMIM 613960.

Submission:

Labcorp Genetics (formerly Invitae), Labcorp
Classification: Uncertain significance for Granulomatous disease, chronic, autosomal recessive, cytochrome b-positive, type 3. Last evaluated: 2024-08-31. Review status: criteria provided, single submitter. Criteria: Invitae Variant Classification Sherloc (09022015). Collection method: clinical testing. Allele origin: germline.
Comment: This sequence change replaces threonine, which is neutral and polar, with alanine, which is neutral and non-polar, at codon 182 of the NCF4 protein (p.Thr182Ala). This variant is not present in population databases (gnomAD no frequency). This variant has not been reported in the literature in individuals affected with NCF4-related conditions. An algorithm developed to predict the effect of missense changes on protein structure and function (PolyPhen-2) suggests that this variant is likely to be disruptive. In summary, the available evidence is currently insufficient to determine the role of this variant in disease. Therefore, it has been classified as a Variant of Uncertain Significance.